The following is an entry in ClinVar:

ClinVar aggregate classification (germline): Pathogenic (1 of 4 stars; one submission).

Conditions:
Neurofibromatosis, type 1 (NF1). Also called: VON RECKLINGHAUSEN DISEASE; Peripheral type neurofibromatosis; NEUROFIBROMATOSIS, TYPE I, SOMATIC; Neurofibromatosis, type I. Identifiers: Orphanet 636, MedGen C0027831, MONDO:0018975, OMIM 162200. Disease mechanism: loss of function.

Submission:

Labcorp Genetics (formerly Invitae), Labcorp
Classification: Pathogenic for Neurofibromatosis, type 1. Last evaluated: 2025-11-15. Review status: criteria provided, single submitter. Criteria: Invitae Variant Classification Sherloc (09022015). Collection method: clinical testing. Allele origin: germline.
Comment: This sequence change creates a premature translational stop signal (p.Ser1380Argfs*7) in the NF1 gene. It is expected to result in an absent or disrupted protein product. Loss-of-function variants in NF1 are known to be pathogenic (PMID: 10712197, 23913538). This variant is not present in population databases (gnomAD no frequency). This variant has not been reported in the literature in individuals affected with NF1-related conditions. For these reasons, this variant has been classified as Pathogenic.

Literature cited by the submitters: PubMed 10712197; PubMed 23913538.

NM_001042492.3(NF1):c.4198_4202dup (p.Ser1401fs)

Gene: NF1 (neurofibromin 1; plus strand). Cytogenetic location: 17q11.2.
Variant type: Duplication.
Coding change: c.4198_4202dup on transcript NM_001042492.3 (MANE Select); coding-DNA positions 4198 to 4202, 5 bases duplicated (AACAG; older notation c.4198_4202dupAACAG).
Protein change: p.Ser1401fs; shifts the reading frame from serine 1401.
Molecular consequence: frameshift variant.
Genome position (GRCh38, 1-based): chr17:31,258,368-31,258,372, AACAG duplicated; duplicating any 5 consecutive bases within chr17:31,258,365-31,258,372 gives the same sequence; the c. name uses the placement nearest the transcript's 3' end. VCF-style (leftmost placement, unchanged base first): chr17-31258364-T-TCAGAA. GRCh37 (hg19) VCF-style: chr17-29585382-T-TCAGAA.
Other names: c.4135_4139dup, p.Ser1380fs (NM_000267.4); short protein forms S1380fs, S1401fs.
Identifiers: ClinVar variation 4730789 (VCV004730789.1).